The following is an entry in ClinVar:

NM_001323289.2(CDKL5):c.554+2T>C

Gene: CDKL5 (cyclin dependent kinase like 5; plus strand). Cytogenetic location: Xp22.13.
Variant type: single nucleotide variant.
Coding change: c.554+2T>C on transcript NM_001323289.2 (MANE Select); the canonical splice donor site of the intron after coding-DNA position 554, T replaced by C.
Molecular consequence: splice donor variant.
Genome position (GRCh38, 1-based): chrX:18,584,355, T>C. VCF-style: chrX-18584355-T-C. GRCh37 (hg19) VCF-style: chrX-18602475-T-C.
Other names: c.554+2T>C (NM_003159.3, NM_001037343.2).
Identifiers: ClinVar variation 2023282 (VCV002023282.4), dbSNP rs2518853631, ClinGen allele CA412352594.

ClinVar aggregate classification (germline): Pathogenic (1 of 4 stars; one submission).

Conditions:
Developmental and epileptic encephalopathy, 2 (DEE2). Also called: INFANTILE SPASM SYNDROME, X-LINKED 2; CDKL5 deficiency disorder. Identifiers: Orphanet 1934, Orphanet 3451, Orphanet 505652, MedGen C4750718, MONDO:0010396, OMIM 300672.
Angelman syndrome-like. Identifiers: MedGen CN128785.

Submission:

Labcorp Genetics (formerly Invitae), Labcorp
Classification: Pathogenic for Developmental and epileptic encephalopathy, 2; Angelman syndrome-like. Last evaluated: 2025-01-15. Review status: criteria provided, single submitter. Criteria: Invitae Variant Classification Sherloc (09022015). Collection method: clinical testing. Allele origin: germline.
Comment: This sequence change affects a donor splice site in intron 8 of the CDKL5 gene. It is expected to disrupt RNA splicing. Variants that disrupt the donor or acceptor splice site typically lead to a loss of protein function (PMID: 16199547), and loss-of-function variants in CDKL5 are known to be pathogenic (PMID: 22872100). This variant is not present in population databases (gnomAD no frequency). Disruption of this splice site has been observed in individual(s) with clinical features of CDKL5-related conditions (internal data). In at least one individual the variant was observed to be de novo. ClinVar contains an entry for this variant (Variation ID: 2023282). Algorithms developed to predict the effect of sequence changes on RNA splicing suggest that this variant may disrupt the consensus splice site. For these reasons, this variant has been classified as Pathogenic.

Literature cited by the submitters: PubMed 16199547; PubMed 22872100.